The following is an entry in ClinVar:

ClinVar aggregate classification (germline): Likely benign (1 of 4 stars; one submission).

Conditions:
ASIC5-related disorder. Also called: ASIC5-related condition.

gnomAD v4.1: 504 of 1,543,622 alleles (0.033%); highest among the groups gnomAD compares: South Asian, 0.59%; 10 homozygotes.

Submission:

PreventionGenetics, part of Exact Sciences
Classification: Likely benign for ASIC5-related condition. Last evaluated: 2026-07-14. Review status: criteria provided, single submitter. Criteria: ACMG Guidelines, 2015. Collection method: clinical testing. Allele origin: germline.
Comment: This variant is classified as likely benign based on ACMG/AMP sequence variant interpretation guidelines (Richards et al. 2015 PMID: 25741868, with internal and published modifications).

NM_017419.3(ASIC5):c.1335T>C (p.Leu445=)

Gene: ASIC5 (acid sensing ion channel subunit family member 5; minus strand). Cytogenetic location: 4q32.1.
Variant type: single nucleotide variant.
Coding change: c.1335T>C on transcript NM_017419.3 (MANE Select); coding-DNA position 1335, T replaced by C.
Protein change: p.Leu445=; no amino-acid change (leucine 445 retained).
Molecular consequence: synonymous variant.
Genome position (GRCh38, 1-based): chr4:155,830,039, A>G on the plus strand (T>C on the coding strand, the complement: ASIC5 is on the minus strand). VCF-style: chr4-155830039-A-G. GRCh37 (hg19) VCF-style: chr4-156751191-A-G.
Identifiers: ClinVar variation 4984490 (VCV004984490.1).